The following is an entry in ClinVar:

NM_021930.6(RINT1):c.2220C>T (p.Asn740=)

Genes: EFCAB10 (EF-hand calcium binding domain 10; minus strand), RINT1 (RAD50 interactor 1; plus strand). Cytogenetic location: 7q22.3.
Variant type: single nucleotide variant.
Coding change: c.2220C>T on transcript NM_021930.6 (MANE Select); coding-DNA position 2220, C replaced by T.
Protein change: p.Asn740=; no amino-acid change (asparagine 740 retained).
Molecular consequence: synonymous variant. On other transcripts: 3 prime UTR variant (2), non-coding transcript variant (1), intron variant (3).
Genome position (GRCh38, 1-based): chr7:105,567,152, C>T. VCF-style: chr7-105567152-C-T. GRCh37 (hg19) VCF-style: chr7-105207599-C-T.
Other names: c.*302G>A (NM_001355527.2, NM_001355529.2); c.1986C>T, p.Asn662= (NM_001346599.2); c.1197C>T, p.Asn399= (NM_001346600.2, NM_001346603.2); c.1296C>T, p.Asn432= (NM_001346601.2); c.360-1705G>A (NM_001355531.2); c.383+315G>A (NM_001355526.2, NM_001355530.2); c.2220C>T (NM_021930.5).
Identifiers: ClinVar variation 697878 (VCV000697878.12), dbSNP rs202008558, ClinGen allele CA4426917.
Genomic context (GRCh38, chr7:105,567,152, plus strand): 5'-TTTCCCTCCTTTGTTTTCCCTAAACAGTATAAAAGAAGCCTGTATTGTTTTGAATTTGAA[C>T]GTCGGTTCTGCACTACTGCTGAAAGATGTACTGCAGTCAGCTTCAGGGCAGCTTCCTGCC-3'
Protein context (NP_068749.3, residues 730-750): IKEACIVLNL[Asn740=]VGSALLLKDV

ClinVar aggregate classification (germline): Likely benign. Review status: criteria provided, multiple submitters, no conflicts (2 of 4 stars). 3 submissions from 3 submitters: Likely benign (3). Last evaluated 2026-04-22.

Conditions:
RINT1-related disorder. Also called: RINT1-related condition.

Allele frequency attached by ClinVar (database versions not stated): ExAC 0.00001; gnomAD exomes 0.00001; TOPMed 0.00002.
gnomAD v4.1: 32 of 1,584,564 alleles (0.002%); highest among the groups gnomAD compares: Admixed American, 0.0039%; no homozygotes.

Submissions (3):

PreventionGenetics, part of Exact Sciences
Classification: Likely benign for RINT1-related condition. Last evaluated: 2026-04-22. Review status: criteria provided, single submitter. Criteria: ACMG Guidelines, 2015. Collection method: clinical testing. Allele origin: germline.
Comment: This variant is classified as likely benign based on ACMG/AMP sequence variant interpretation guidelines (Richards et al. 2015 PMID: 25741868, with internal and published modifications).

Ambry Genetics
Classification: Likely benign. Last evaluated: 2022-03-08. Review status: criteria provided, single submitter. Criteria: Ambry Variant Classification Scheme 2023. Collection method: clinical testing. Allele origin: germline.

Labcorp Genetics (formerly Invitae), Labcorp
Classification: Likely benign. Last evaluated: 2018-09-29. Review status: criteria provided, single submitter. Criteria: Invitae Variant Classification Sherloc (09022015). Collection method: clinical testing. Allele origin: germline.